The following is an entry in ClinVar:

NM_000405.5(GM2A):c.*227A>G

Gene: GM2A (ganglioside GM2 activator; plus strand). Cytogenetic location: 5q33.1.
Variant type: single nucleotide variant.
Coding change: c.*227A>G on transcript NM_000405.5 (MANE Select); 227 bases downstream of the stop codon, A replaced by G.
Molecular consequence: 3 prime UTR variant.
Genome position (GRCh38, 1-based): chr5:151,267,678, A>G. VCF-style: chr5-151267678-A-G. GRCh37 (hg19) VCF-style: chr5-150647239-A-G.
Other names: c.*38A>G (NM_001167607.3).
Identifiers: ClinVar variation 352259 (VCV000352259.7), dbSNP rs989, ClinGen allele CA3518032.

ClinVar aggregate classification (germline): Benign. Review status: criteria provided, multiple submitters, no conflicts (2 of 4 stars). 2 submissions from 2 submitters: Benign (2). Last evaluated 2021-06-19.

Conditions:
Tay-Sachs disease, variant AB. Also called: GM2 Activator Deficiency; Gm2-gangliosidosis, ab variant. Identifiers: Orphanet 309246, MedGen C0268275, MONDO:0010099, OMIM 272750.

Allele frequency attached by ClinVar (database versions not stated): gnomAD exomes 0.36309 and 0.38174; gnomAD 0.40429 and 0.40371; TOPMed 0.40604; 1000 Genomes Project 0.44349; ExAC 0.44436; ESP Exome Variant Server 0.39860; 1000 Genomes Project 30x 0.44613.
gnomAD v4.1: 543,729 of 1,476,880 alleles (37%); highest among the groups gnomAD compares: African/African-American, 52%; 103,124 homozygotes.

Submissions (2):

GeneDx
Classification: Benign. Last evaluated: 2021-06-19. Review status: criteria provided, single submitter. Criteria: GeneDx Variant Classification Process June 2021. Collection method: clinical testing. Allele origin: germline. Affected: yes.

Illumina Laboratory Services, Illumina
Classification: Benign for Tay-Sachs disease, variant AB. Last evaluated: 2018-01-13. Review status: criteria provided, single submitter. Criteria: ICSL Variant Classification Criteria 13 December 2019. Collection method: clinical testing. Allele origin: germline.
Comment: This variant was observed in the ICSL laboratory as part of a predisposition screen in an ostensibly healthy population. It had not been previously curated by ICSL or reported in the Human Gene Mutation Database (HGMD: prior to June 1st, 2018), and was therefore a candidate for classification through an automated scoring system. Utilizing variant allele frequency, disease prevalence and penetrance estimates, and inheritance mode, an automated score was calculated to assess if this variant is too frequent to cause the disease. Based on the score and internal cut-off values, a variant classified as benign is not then subjected to further curation. The score for this variant resulted in a classification of benign for this disease.